The following is an entry in ClinVar:

ClinVar aggregate classification (germline): Uncertain significance. Review status: criteria provided, multiple submitters, no conflicts (2 of 4 stars). 2 submissions from 2 submitters: Uncertain significance (2). Last evaluated 2026-07-30.

Conditions:
Hereditary cancer-predisposing syndrome. Also called: Hereditary Cancer Syndrome; Neoplastic Syndromes, Hereditary; Hereditary neoplastic syndrome; Tumor predisposition. Identifiers: Orphanet 140162, MedGen C0027672, MeSH D009386, MONDO:0015356.
Gorlin syndrome. Also called: Nevoid Basal Cell Carcinoma Syndrome; Basal cell nevus syndrome. Identifiers: Orphanet 377, MedGen C0004779, MONDO:0007187.

Allele frequency attached by ClinVar (database versions not stated): gnomAD exomes below 0.00001.
gnomAD v4.1: 1 of 1,614,244 alleles (0.000062%); no homozygotes.

Submissions (2):

Ambry Genetics
Classification: Uncertain significance for Hereditary cancer-predisposing syndrome. Last evaluated: 2026-07-30. Review status: criteria provided, single submitter. Criteria: Ambry Variant Classification Scheme 2023. Collection method: clinical testing. Allele origin: germline.
Comment: The p.Y884C variant (also known as c.2651A>G), located in coding exon 16 of the PTCH1 gene, results from an A to G substitution at nucleotide position 2651. The tyrosine at codon 884 is replaced by cysteine, an amino acid with highly dissimilar properties. This amino acid position is conserved. In addition, this alteration is predicted to be deleterious by in silico analysis. Based on the available evidence, the clinical significance of this alteration remains unclear.

Labcorp Genetics (formerly Invitae), Labcorp
Classification: Uncertain significance for Gorlin syndrome. Last evaluated: 2021-08-31. Review status: criteria provided, single submitter. Criteria: Invitae Variant Classification Sherloc (09022015). Collection method: clinical testing. Allele origin: germline.
Comment: This sequence change replaces tyrosine with cysteine at codon 884 of the PTCH1 protein (p.Tyr884Cys). The tyrosine residue is moderately conserved and there is a large physicochemical difference between tyrosine and cysteine. This variant is not present in population databases (ExAC no frequency). This variant has not been reported in the literature in individuals affected with PTCH1-related conditions. Advanced modeling of protein sequence and biophysical properties (such as structural, functional, and spatial information, amino acid conservation, physicochemical variation, residue mobility, and thermodynamic stability) performed at Invitae indicates that this missense variant is expected to disrupt PTCH1 protein function. In summary, the available evidence is currently insufficient to determine the role of this variant in disease. Therefore, it has been classified as a Variant of Uncertain Significance.

NM_000264.5(PTCH1):c.2651A>G (p.Tyr884Cys)

Gene: PTCH1 (patched 1; minus strand). Cytogenetic location: 9q22.32.
Variant type: single nucleotide variant.
Coding change: c.2651A>G on transcript NM_000264.5 (MANE Select); coding-DNA position 2651, A replaced by G.
Protein change: p.Tyr884Cys; replaces tyrosine 884 with cysteine.
Molecular consequence: missense variant. On other transcripts: non-coding transcript variant (1).
Genome position (GRCh38, 1-based): chr9:95,461,908, T>C on the plus strand (A>G on the coding strand, the complement: PTCH1 is on the minus strand). VCF-style: chr9-95461908-T-C. GRCh37 (hg19) VCF-style: chr9-98224190-T-C.
Other names: c.2651A>G (NM_000264.3); c.2453A>G, p.Tyr818Cys (NM_001083602.3); c.2648A>G, p.Tyr883Cys (NM_001083603.3); c.2198A>G, p.Tyr733Cys (NM_001083604.3, NM_001083605.3, NM_001083606.3 and 1 more transcripts); c.2495A>G, p.Tyr832Cys (NM_001354918.2); short protein forms Y818C, Y832C, Y884C, Y733C, Y883C.
Identifiers: ClinVar variation 1351998 (VCV001351998.7), dbSNP rs2136687938, ClinGen allele CA374113388.